The following is an entry in ClinVar:

NM_021930.6(RINT1):c.2281A>C (p.Thr761Pro)

Genes: EFCAB10 (EF-hand calcium binding domain 10; minus strand), RINT1 (RAD50 interactor 1; plus strand). Cytogenetic location: 7q22.3.
Variant type: single nucleotide variant.
Coding change: c.2281A>C on transcript NM_021930.6 (MANE Select); coding-DNA position 2281, A replaced by C.
Protein change: p.Thr761Pro; replaces threonine 761 with proline.
Molecular consequence: missense variant. On other transcripts: 3 prime UTR variant (2), non-coding transcript variant (1), intron variant (3).
Genome position (GRCh38, 1-based): chr7:105,567,213, A>C. VCF-style: chr7-105567213-A-C. GRCh37 (hg19) VCF-style: chr7-105207660-A-C.
Other names: c.*241T>G (NM_001355527.2, NM_001355529.2); c.2047A>C, p.Thr683Pro (NM_001346599.2); c.1258A>C, p.Thr420Pro (NM_001346600.2, NM_001346603.2); c.1357A>C, p.Thr453Pro (NM_001346601.2); c.360-1766T>G (NM_001355531.2); c.383+254T>G (NM_001355526.2, NM_001355530.2); short protein forms T453P, T683P, T761P, T420P.
Identifiers: ClinVar variation 2448420 (VCV002448420.2), dbSNP rs557533198, ClinGen allele CA368815544.

ClinVar aggregate classification (germline): Uncertain significance (1 of 4 stars; one submission).

Submission:

Ambry Genetics
Classification: Uncertain significance. Last evaluated: 2023-01-29. Review status: criteria provided, single submitter. Criteria: Ambry Variant Classification Scheme 2023. Collection method: clinical testing. Allele origin: germline.
Comment: The p.T761P variant (also known as c.2281A>C), located in coding exon 15 of the RINT1 gene, results from an A to C substitution at nucleotide position 2281. The threonine at codon 761 is replaced by proline, an amino acid with highly similar properties. This amino acid position is conserved. In addition, this alteration is predicted to be tolerated by in silico analysis. Since supporting evidence is limited at this time, the clinical significance of this alteration remains unclear.